The following is an entry in ClinVar:

NM_004239.4(TRIP11):c.1527+4A>G

Gene: TRIP11 (thyroid hormone receptor interactor 11; minus strand). Cytogenetic location: 14q32.12.
Variant type: single nucleotide variant.
Coding change: c.1527+4A>G on transcript NM_004239.4 (MANE Select); 4 bases into the intron after coding-DNA position 1527, A replaced by G.
Molecular consequence: intron variant.
Genome position (GRCh38, 1-based): chr14:92,007,636, T>C on the plus strand (A>G on the coding strand, the complement: TRIP11 is on the minus strand). VCF-style: chr14-92007636-T-C. GRCh37 (hg19) VCF-style: chr14-92473980-T-C.
Other names: c.1524+4A>G (NM_001321851.1).
Identifiers: ClinVar variation 1521537 (VCV001521537.6), dbSNP rs2140121640, ClinGen allele CA2573150255.
Genomic context (GRCh38, chr14:92,007,636, plus strand): 5'-ACCATTTCTGTGTTTAGTTTACTTAGTAGAATGTGCTGCCTTACTGTATTTAATACAGTG[T>C]TACCTTTGTAGCTTCTTGATTCTGTCTGTCCAATTCTTCTATCTCAGCTATCAGTGTTTC-3'

ClinVar aggregate classification (germline): Uncertain significance (1 of 4 stars; one submission).

Conditions:
Achondrogenesis, type IA (ACG1A). Identifiers: Orphanet 932, Orphanet 93299, MedGen C0265273, MONDO:0008701, OMIM 200600.

Submission:

Labcorp Genetics (formerly Invitae), Labcorp
Classification: Uncertain significance for Achondrogenesis, type IA. Last evaluated: 2024-11-18. Review status: criteria provided, single submitter. Criteria: Invitae Variant Classification Sherloc (09022015). Collection method: clinical testing. Allele origin: germline.
Comment: This sequence change falls in intron 10 of the TRIP11 gene. It does not directly change the encoded amino acid sequence of the TRIP11 protein. It affects a nucleotide within the consensus splice site. This variant is not present in population databases (gnomAD no frequency). This variant has not been reported in the literature in individuals affected with TRIP11-related conditions. ClinVar contains an entry for this variant (Variation ID: 1521537). Variants that disrupt the consensus splice site are a relatively common cause of aberrant splicing (PMID: 17576681, 9536098). Algorithms developed to predict the effect of sequence changes on RNA splicing suggest that this variant is not likely to affect RNA splicing. In summary, the available evidence is currently insufficient to determine the role of this variant in disease. Therefore, it has been classified as a Variant of Uncertain Significance.

Literature cited by the submitters: PubMed 17576681; PubMed 9536098.